The following is an entry in ClinVar:

ClinVar aggregate classification (germline): Uncertain significance. Review status: criteria provided, multiple submitters, no conflicts (2 of 4 stars). 2 submissions from 2 submitters: Uncertain significance (2). Last evaluated 2025-05-26.

Conditions:
Hereditary cancer-predisposing syndrome. Also called: Hereditary neoplastic syndrome; Tumor predisposition; Neoplastic Syndromes, Hereditary; Hereditary Cancer Syndrome. Identifiers: Orphanet 140162, MedGen C0027672, MeSH D009386, MONDO:0015356.
Neuroblastoma, susceptibility to, 3. Also called: ALK-Related Neuroblastic Tumor Susceptibility. Identifiers: Orphanet 635, MedGen C2751681, MONDO:0013083, OMIM 613014.

Allele frequency attached by ClinVar (database versions not stated): TOPMed 0.00002.
gnomAD v4.1: 3 of 1,594,004 alleles (0.00019%); highest among the groups gnomAD compares: Non-Finnish European, 0.00026%; no homozygotes.

Submissions (2):

Labcorp Genetics (formerly Invitae), Labcorp
Classification: Uncertain significance for Neuroblastoma, susceptibility to, 3. Last evaluated: 2025-05-26. Review status: criteria provided, single submitter. Criteria: Invitae Variant Classification Sherloc (09022015). Collection method: clinical testing. Allele origin: germline.
Comment: This sequence change replaces proline, which is neutral and non-polar, with threonine, which is neutral and polar, at codon 1438 of the ALK protein (p.Pro1438Thr). This variant is not present in population databases (gnomAD no frequency). This variant has not been reported in the literature in individuals affected with ALK-related conditions. ClinVar contains an entry for this variant (Variation ID: 857661). An algorithm developed to predict the effect of missense changes on protein structure and function (PolyPhen-2) suggests that this variant is likely to be tolerated. In summary, the available evidence is currently insufficient to determine the role of this variant in disease. Therefore, it has been classified as a Variant of Uncertain Significance.

Ambry Genetics
Classification: Uncertain significance for Hereditary cancer-predisposing syndrome. Last evaluated: 2023-03-29. Review status: criteria provided, single submitter. Criteria: Ambry Variant Classification Scheme 2023. Collection method: clinical testing. Allele origin: germline.
Comment: The p.P1438T variant (also known as c.4312C>A), located in coding exon 29 of the ALK gene, results from a C to A substitution at nucleotide position 4312. The proline at codon 1438 is replaced by threonine, an amino acid with highly similar properties. This amino acid position is conserved. In addition, this alteration is predicted to be tolerated by in silico analysis. Since supporting evidence is limited at this time, the clinical significance of this alteration remains unclear.

NM_004304.5(ALK):c.4312C>A (p.Pro1438Thr)

Gene: ALK (ALK receptor tyrosine kinase; minus strand). Cytogenetic location: 2p23.2.
Variant type: single nucleotide variant.
Coding change: c.4312C>A on transcript NM_004304.5 (MANE Select); coding-DNA position 4312, C replaced by A.
Protein change: p.Pro1438Thr; replaces proline 1438 with threonine.
Molecular consequence: missense variant.
Genome position (GRCh38, 1-based): chr2:29,193,775, G>T on the plus strand (C>A on the coding strand, the complement: ALK is on the minus strand). VCF-style: chr2-29193775-G-T. GRCh37 (hg19) VCF-style: chr2-29416641-G-T.
Other names: c.1108C>A, p.Pro370Thr (NM_001353765.2); short protein forms P370T, P1438T.
Identifiers: ClinVar variation 857661 (VCV000857661.11), dbSNP rs1558604000, ClinGen allele CA346462681.
Genomic context (GRCh38, chr2:29,193,775, plus strand): 5'-CTGTGGGTTTCTTTGCAGCCTTGCCAGAGGAGGTGGTAGGCAGAGGTGGTGGGGCAGCTG[G>T]GCTGCGCTCCTCCTCCCGTTTTGCCTGTTGAGAGACCAGGAGAGGAGGAACCCCCTCAGG-3'
Protein context (NP_004295.2, residues 1428-1448): QQAKREEERS[Pro1438Thr]AAPPPLPTTS